The following is an entry in ClinVar:

ClinVar aggregate classification (germline): Conflicting classifications of pathogenicity. Review status: criteria provided, conflicting classifications (1 of 4 stars). 3 submissions from 3 submitters: Uncertain significance (2); Benign (1). Last evaluated 2025-02-27.

Conditions:
Inborn genetic diseases. Identifiers: MedGen C0950123, MeSH D030342.

Allele frequency attached by ClinVar (database versions not stated): gnomAD exomes below 0.00001; ExAC 0.00001.
gnomAD v4.1: 5 of 1,611,240 alleles (0.00031%); highest among the groups gnomAD compares: Middle Eastern, 0.017%; no homozygotes.

Submissions (3):

GeneDx
Classification: Uncertain significance. Last evaluated: 2025-02-27. Review status: criteria provided, single submitter. Criteria: GeneDx Variant Classification Process June 2021. Collection method: clinical testing. Allele origin: germline. Affected: yes.
Comment: In silico analysis supports that this missense variant has a deleterious effect on protein structure/function; Has not been previously published as pathogenic or benign to our knowledge

Labcorp Genetics (formerly Invitae), Labcorp
Classification: Benign. Last evaluated: 2024-01-02. Review status: criteria provided, single submitter. Criteria: Invitae Variant Classification Sherloc (09022015). Collection method: clinical testing. Allele origin: germline.

Ambry Genetics
Classification: Uncertain significance for Inborn genetic diseases. Last evaluated: 2021-07-16. Review status: criteria provided, single submitter. Criteria: Ambry Variant Classification Scheme 2023. Collection method: clinical testing. Allele origin: germline.

NM_004113.6(FGF12):c.134A>G (p.Asn45Ser)

Gene: FGF12 (fibroblast growth factor 12; minus strand). Cytogenetic location: 3q28.
Variant type: single nucleotide variant.
Coding change: c.134A>G on transcript NM_004113.6 (MANE Select); coding-DNA position 134, A replaced by G.
Protein change: p.Asn45Ser; replaces asparagine 45 with serine.
Molecular consequence: missense variant.
Genome position (GRCh38, 1-based): chr3:192,335,455, T>C on the plus strand (A>G on the coding strand, the complement: FGF12 is on the minus strand). VCF-style: chr3-192335455-T-C. GRCh37 (hg19) VCF-style: chr3-192053244-T-C.
Other names: c.23A>G, p.Asn8Ser (NM_001377292.1); c.62A>G, p.Asn21Ser (NM_001377293.1, NM_001377294.1); c.320A>G, p.Asn107Ser (NM_021032.5); short protein forms N107S, N45S, N8S, N21S.
Identifiers: ClinVar variation 2233995 (VCV002233995.6), dbSNP rs765777284, ClinGen allele CA2755807.